The following is an entry in ClinVar:

NM_001042492.3(NF1):c.695C>T (p.Thr232Ile)

Gene: NF1 (neurofibromin 1; plus strand). Cytogenetic location: 17q11.2.
Variant type: single nucleotide variant.
Coding change: c.695C>T on transcript NM_001042492.3 (MANE Select); coding-DNA position 695, C replaced by T.
Protein change: p.Thr232Ile; replaces threonine 232 with isoleucine.
Molecular consequence: missense variant.
Genome position (GRCh38, 1-based): chr17:31,181,750, C>T. VCF-style: chr17-31181750-C-T. GRCh37 (hg19) VCF-style: chr17-29508768-C-T.
Other names: c.695C>T, p.Thr232Ile (NM_000267.4, NM_001128147.3); short protein forms T232I.
Identifiers: ClinVar variation 527575 (VCV000527575.16), dbSNP rs769719064, ClinGen allele CA8485607.

ClinVar aggregate classification (germline): Uncertain significance. Review status: criteria provided, multiple submitters, no conflicts (2 of 4 stars). 6 submissions from 6 submitters: Uncertain significance (6). Last evaluated 2025-08-21.

Conditions:
Hereditary cancer-predisposing syndrome. Also called: Neoplastic Syndromes, Hereditary; Hereditary Cancer Syndrome; Tumor predisposition; Hereditary neoplastic syndrome. Identifiers: Orphanet 140162, MedGen C0027672, MeSH D009386, MONDO:0015356.
Cardiovascular phenotype. Identifiers: MedGen CN230736.
Neurofibromatosis, type 1 (NF1). Also called: Peripheral type neurofibromatosis; Neurofibromatosis, type I; VON RECKLINGHAUSEN DISEASE; NEUROFIBROMATOSIS, TYPE I, SOMATIC. Identifiers: Orphanet 636, MedGen C0027831, MONDO:0018975, OMIM 162200. Disease mechanism: loss of function.

Allele frequency attached by ClinVar (database versions not stated): gnomAD exomes below 0.00001; ExAC 0.00001.
gnomAD v4.1: 2 of 1,598,830 alleles (0.00013%); highest among the groups gnomAD compares: South Asian, 0.0011%; no homozygotes.

Submissions (6):

Ambry Genetics
Classification: Uncertain significance for Cardiovascular phenotype; Hereditary cancer-predisposing syndrome. Last evaluated: 2025-08-21. Review status: criteria provided, single submitter. Criteria: Ambry Variant Classification Scheme 2023. Collection method: clinical testing. Allele origin: germline.
Comment: The p.T232I variant (also known as c.695C>T), located in coding exon 7 of the NF1 gene, results from a C to T substitution at nucleotide position 695. The threonine at codon 232 is replaced by isoleucine, an amino acid with similar properties. This amino acid position is highly conserved in available vertebrate species. In addition, this alteration is predicted to be deleterious by in silico analysis. Based on the available evidence, the clinical significance of this variant remains unclear.

Dasa
Classification: Uncertain significance. Last evaluated: 2025-05-22. Review status: criteria provided, single submitter. Criteria: DASA Assertion Criteria. Collection method: clinical testing. Allele origin: germline.
Comment: NM_001042492.3(NF1):c.695C>T (p.Thr232Ile) is a missense variant that results in the substitution of threonine with isoleucine. This variant is rare in population databases. The currently available literature and clinical evidence are not sufficient to establish a definitive association between this variant and the reported condition. Therefore, this variant is classified as a variant of uncertain significance.

Genomic Medicine Center of Excellence, King Faisal Specialist Hospital and Research Centre
Classification: Uncertain significance for Neurofibromatosis, type 1. Last evaluated: 2024-03-26. Review status: criteria provided, single submitter. Criteria: ACMG Guidelines, 2015. Collection method: clinical testing. Allele origin: germline.

Labcorp Genetics (formerly Invitae), Labcorp
Classification: Uncertain significance for Neurofibromatosis, type 1. Last evaluated: 2023-06-15. Review status: criteria provided, single submitter. Criteria: Invitae Variant Classification Sherloc (09022015). Collection method: clinical testing. Allele origin: germline.
Comment: This sequence change replaces threonine, which is neutral and polar, with isoleucine, which is neutral and non-polar, at codon 232 of the NF1 protein (p.Thr232Ile). In summary, the available evidence is currently insufficient to determine the role of this variant in disease. Therefore, it has been classified as a Variant of Uncertain Significance. Advanced modeling of protein sequence and biophysical properties (such as structural, functional, and spatial information, amino acid conservation, physicochemical variation, residue mobility, and thermodynamic stability) performed at Invitae indicates that this missense variant is expected to disrupt NF1 protein function. ClinVar contains an entry for this variant (Variation ID: 527575). This variant has not been reported in the literature in individuals affected with NF1-related conditions. This variant is present in population databases (rs769719064, gnomAD 0.003%).

Genome-Nilou Lab
Classification: Uncertain significance for Neurofibromatosis, type 1. Last evaluated: 2022-03-15. Review status: criteria provided, single submitter. Criteria: ACMG Guidelines, 2015. Collection method: clinical testing. Allele origin: germline. Affected: no.

GeneDx
Classification: Uncertain significance. Last evaluated: 2018-04-18. Review status: criteria provided, single submitter. Criteria: GeneDx Variant Classification (06012015). Collection method: clinical testing. Allele origin: germline. Affected: yes.
Comment: This variant is denoted NF1 c.695C>T at the cDNA level, p.Thr232Ile (T232I) at the protein level, and results in the change of a Threonine to an Isoleucine (ACA>ATA). This variant has not, to our knowledge, been published in the literature as pathogenic or benign. NF1 Thr232Ile was observed at an allele frequency of 0.003% (1/30,768) in individuals of South Asian ancestry in large population cohorts (Lek 2016). This variant is not located in a known functional domain. In silico analysis, which includes protein predictors and evolutionary conservation, supports a deleterious effect. Based on currently available evidence, it is unclear whether NF1 Thr232Ile is a pathogenic or benign variant. We consider it to be a variant of uncertain significance.